The following is an entry in ClinVar:

NM_001003699.4(RREB1):c.4750C>T (p.Arg1584Trp)

Gene: RREB1 (ras responsive element binding protein 1; plus strand). Cytogenetic location: 6p24.3.
Variant type: single nucleotide variant.
Coding change: c.4750C>T on transcript NM_001003699.4 (MANE Select); coding-DNA position 4750, C replaced by T.
Protein change: p.Arg1584Trp; replaces arginine 1584 with tryptophan.
Molecular consequence: missense variant. On other transcripts: intron variant (1).
Genome position (GRCh38, 1-based): chr6:7,247,200, C>T. VCF-style: chr6-7247200-C-T. GRCh37 (hg19) VCF-style: chr6-7247433-C-T.
Other names: c.4585C>T, p.Arg1529Trp (NM_001003698.4, NM_001168344.2); c.3974-1311C>T (NM_001003700.2); short protein forms R1584W, R1529W.
Identifiers: ClinVar variation 4998170 (VCV004998170.1).
Genomic context (GRCh38, chr6:7,247,200, plus strand): 5'-AAGAGGAAGAAGGTCTGCAGCGTGTGCAACAAGCGGTTCTGGTCGCTGCAGGACCTGACC[C>T]GGCACATGCGCTCCCACACAGGTAACCAGGGCAGGCCAGGTCCCCGGCCCAACAAGAGGA-3'
Protein context (NP_001003699.1, residues 1574-1594): KRFWSLQDLT[Arg1584Trp]HMRSHTGERP

ClinVar aggregate classification (germline): Uncertain significance (1 of 4 stars; one submission).

Conditions:
RREB1-related disorder. Also called: RREB1-related condition.

gnomAD v4.1: 1 of 1,613,336 alleles (0.000062%); highest among the groups gnomAD compares: Non-Finnish European, 0.000085%; no homozygotes.

Submission:

PreventionGenetics, part of Exact Sciences
Classification: Uncertain significance for RREB1-related condition. Last evaluated: 2025-08-18. Review status: criteria provided, single submitter. Criteria: ACMG Guidelines, 2015. Collection method: clinical testing. Allele origin: germline.
Comment: The RREB1 c.4750C>T variant is predicted to result in the amino acid substitution p.Arg1584Trp. To our knowledge, this variant has not been reported in the literature or in a large population database (gnomAD), indicating this variant is rare. At this time, the clinical significance of this variant is uncertain due to the absence of conclusive functional and genetic evidence.